The following is an entry in ClinVar:

ClinVar aggregate classification (germline): Uncertain significance. Review status: criteria provided, multiple submitters, no conflicts (2 of 4 stars). 2 submissions from 2 submitters: Uncertain significance (2). Last evaluated 2020-02-06.

Conditions:
Dilated cardiomyopathy 3B (CMD3B). Also called: CMD3B: DMD-Related Dilated Cardiomyopathy; CARDIOMYOPATHY, DILATED, X-LINKED; DMD-Associated Dilated Cardiomyopathy. Identifiers: Orphanet 154, MedGen C3668940, MONDO:0010542, OMIM 302045.
Becker muscular dystrophy (BMD). Also called: MUSCULAR DYSTROPHY, PSEUDOHYPERTROPHIC PROGRESSIVE, BECKER TYPE; Becker Muscular Dystrophy (BMD). Identifiers: Orphanet 98895, MedGen C0917713, MONDO:0010311, OMIM 300376.

Submissions (2):

Baylor Genetics
Classification: Uncertain significance for Becker muscular dystrophy. Last evaluated: 2020-02-06. Review status: criteria provided, single submitter. Criteria: ACMG Guidelines, 2015. Collection method: clinical testing. Allele origin: unknown. Affected: yes.
Comment: This variant was determined to be of uncertain significance according to ACMG Guidelines, 2015 [PMID:25741868].

Illumina Laboratory Services, Illumina
Classification: Uncertain significance for Dilated cardiomyopathy 3B. Last evaluated: 2017-04-27. Review status: criteria provided, single submitter. Criteria: ICSL Variant Classification Criteria 13 December 2019. Collection method: clinical testing. Allele origin: germline.

NM_004006.3(DMD):c.4120G>A (p.Glu1374Lys)

Gene: DMD (dystrophin; minus strand). Cytogenetic location: Xp21.1.
Variant type: single nucleotide variant.
Coding change: c.4120G>A on transcript NM_004006.3 (MANE Select); coding-DNA position 4120, G replaced by A.
Protein change: p.Glu1374Lys; replaces glutamic acid 1374 with lysine.
Molecular consequence: missense variant.
Genome position (GRCh38, 1-based): chrX:32,411,865, C>T on the plus strand (G>A on the coding strand, the complement: DMD is on the minus strand). VCF-style: chrX-32411865-C-T. GRCh37 (hg19) VCF-style: chrX-32429982-C-T.
Other names: c.4096G>A, p.Glu1366Lys (NM_000109.4); c.4108G>A, p.Glu1370Lys (NM_004009.3); c.3751G>A, p.Glu1251Lys (NM_004010.3); c.97G>A, p.Glu33Lys (NM_004011.4); c.88G>A, p.Glu30Lys (NM_004012.4); short protein forms E1251K, E1370K, E1366K, E30K, E1374K, E33K.
Identifiers: ClinVar variation 915257 (VCV000915257.12), dbSNP rs1557340452, ClinGen allele CA412666551.